The following is an entry in ClinVar:

NM_001759.4(CCND2):c.584C>T (p.Ala195Val)

Gene: CCND2 (cyclin D2; plus strand). Cytogenetic location: 12p13.32.
Variant type: single nucleotide variant.
Coding change: c.584C>T on transcript NM_001759.4 (MANE Select); coding-DNA position 584, C replaced by T.
Protein change: p.Ala195Val; replaces alanine 195 with valine.
Molecular consequence: missense variant.
Genome position (GRCh38, 1-based): chr12:4,288,854, C>T. VCF-style: chr12-4288854-C-T. GRCh37 (hg19) VCF-style: chr12-4398020-C-T.
Other names: short protein forms A195V.
Identifiers: ClinVar variation 4975252 (VCV004975252.1).

ClinVar aggregate classification (germline): Uncertain significance (1 of 4 stars; one submission).

Submission:

GeneDx
Classification: Uncertain significance. Last evaluated: 2026-02-03. Review status: criteria provided, single submitter. Criteria: GeneDx Variant Classification Process June 2021. Collection method: clinical testing. Allele origin: germline.
Comment: Not observed at significant frequency in large population cohorts (gnomAD); In silico analysis suggests that this missense variant does not alter protein structure/function; Has not been previously published as pathogenic or benign to our knowledge